The following is an entry in ClinVar:

ClinVar aggregate classification (germline): Uncertain significance. Review status: criteria provided, multiple submitters, no conflicts (2 of 4 stars). 3 submissions from 3 submitters: Uncertain significance (3). Last evaluated 2025-01-28.

Conditions:
Inborn genetic diseases. Identifiers: MedGen C0950123, MeSH D030342.
Autosomal recessive limb-girdle muscular dystrophy type R18 (LGMDR18). Also called: MUSCULAR DYSTROPHY, LIMB-GIRDLE, AUTOSOMAL RECESSIVE 18; Autosomal recessive limb-girdle muscular dystrophy type 2S; Limb-girdle muscular dystrophy, type 2S. Identifiers: Orphanet 369840, MedGen C4517996, MONDO:0014144, OMIM 615356.

Allele frequency attached by ClinVar (database versions not stated): gnomAD exomes 0.00002; TOPMed 0.00002; gnomAD 0.00003 and 0.00004; ExAC 0.00004; ESP Exome Variant Server 0.00008; 1000 Genomes Project 30x 0.00016; 1000 Genomes Project 0.00020.
gnomAD v4.1: 51 of 1,613,354 alleles (0.0032%); highest among the groups gnomAD compares: South Asian, 0.011%; no homozygotes.

Submissions (4):

GeneDx
Classification: Uncertain significance. Last evaluated: 2025-01-28. Review status: criteria provided, single submitter. Criteria: GeneDx Variant Classification Process June 2021. Collection method: clinical testing. Allele origin: germline. Affected: yes.
Comment: Has not been previously published as pathogenic or benign to our knowledge; In silico analysis indicates that this missense variant does not alter protein structure/function; Not observed at significant frequency in large population cohorts (gnomAD)

Ambry Genetics
Classification: Uncertain significance for Inborn genetic diseases. Last evaluated: 2024-06-17. Review status: criteria provided, single submitter. Criteria: Ambry Variant Classification Scheme 2023. Collection method: clinical testing. Allele origin: germline.

Labcorp Genetics (formerly Invitae), Labcorp
Classification: Uncertain significance for Autosomal recessive limb-girdle muscular dystrophy type R18. Last evaluated: 2022-07-24. Review status: criteria provided, single submitter. Criteria: Invitae Variant Classification Sherloc (09022015). Collection method: clinical testing. Allele origin: germline.
Comment: This sequence change replaces arginine, which is basic and polar, with histidine, which is basic and polar, at codon 1025 of the TRAPPC11 protein (p.Arg1025His). This variant is present in population databases (rs374203755, gnomAD 0.01%). This variant has not been reported in the literature in individuals affected with TRAPPC11-related conditions. ClinVar contains an entry for this variant (Variation ID: 1308410). Algorithms developed to predict the effect of missense changes on protein structure and function are either unavailable or do not agree on the potential impact of this missense change (SIFT: "Tolerated"; PolyPhen-2: "Possibly Damaging"; Align-GVGD: "Class C0"). In summary, the available evidence is currently insufficient to determine the role of this variant in disease. Therefore, it has been classified as a Variant of Uncertain Significance.

Dr. Peter K. Rogan Lab, Western University
No classification provided (evidence only). Condition: Gastric cancer. Review status: no classification provided. Collection method: in vitro. Allele origin: not applicable. Functional consequence: retained intron. Not counted in ClinVar's aggregate classification.

NM_021942.6(TRAPPC11):c.3074G>A (p.Arg1025His)

Gene: TRAPPC11 (trafficking protein particle complex subunit 11; plus strand). Cytogenetic location: 4q35.1.
Variant type: single nucleotide variant.
Coding change: c.3074G>A on transcript NM_021942.6 (MANE Select); coding-DNA position 3074, G replaced by A.
Protein change: p.Arg1025His; replaces arginine 1025 with histidine.
Molecular consequence: missense variant.
Genome position (GRCh38, 1-based): chr4:183,706,825, G>A. VCF-style: chr4-183706825-G-A. GRCh37 (hg19) VCF-style: chr4-184627978-G-A.
Other names: c.3074G>A, p.Arg1025His (NM_199053.3); c.3074G>A (NM_021942.4); short protein forms R1025H.
Identifiers: ClinVar variation 1308410 (VCV001308410.9), dbSNP rs374203755, ClinGen allele CA3152435.
Genomic context (GRCh38, chr4:183,706,825, plus strand): 5'-CTATTTTTTAAACCAAGAGAAGTGTGTCATCTTTCTCTGTAGATCTGCCGTCATTTGGGC[G>A]TGTCAGAGAGTCGTTACCTGTCAAGTATCACCTACAGAATAAGACCGACTTAGTTCAAGA-3'
Protein context (NP_068761.4, residues 1015-1035): HVNADLPSFG[Arg1025His]VRESLPVKYH